The following is an entry in ClinVar:

NM_001854.4(COL11A1):c.4696G>T (p.Asp1566Tyr)

Gene: COL11A1 (collagen type XI alpha 1 chain; minus strand). Cytogenetic location: 1p21.1.
Variant type: single nucleotide variant.
Coding change: c.4696G>T on transcript NM_001854.4 (MANE Select); coding-DNA position 4696, G replaced by T.
Protein change: p.Asp1566Tyr; replaces aspartic acid 1566 with tyrosine.
Molecular consequence: missense variant. On other transcripts: non-coding transcript variant (1).
Genome position (GRCh38, 1-based): chr1:102,886,969, C>A on the plus strand (G>T on the coding strand, the complement: COL11A1 is on the minus strand). VCF-style: chr1-102886969-C-A. GRCh37 (hg19) VCF-style: chr1-103352525-C-A.
Other names: c.4579G>T, p.Asp1527Tyr (NM_001190709.2); c.4732G>T, p.Asp1578Tyr (NM_080629.3); c.4348G>T, p.Asp1450Tyr (NM_080630.4); c.4696G>T (NM_001854.3); short protein forms D1566Y, D1578Y, D1450Y, D1527Y.
Identifiers: ClinVar variation 1380533 (VCV001380533.6), dbSNP rs780611200, ClinGen allele CA973432.
Genomic context (GRCh38, chr1:102,886,969, plus strand): 5'-GGGAATTGAGGGAACCAAATATTTCTTCCATTCCATCCGAGTAATCAAGAATATTATCAT[C>A]TGCATCTGCTTGCATGCCTTCAGTATGTCTTCTCGTTTTTTTGGAGGACAAGATTGGTAA-3'
Protein context (NP_001845.3, residues 1556-1576): RHTEGMQADA[Asp1566Tyr]DNILDYSDGM

ClinVar aggregate classification (germline): Conflicting classifications of pathogenicity. Review status: criteria provided, conflicting classifications (1 of 4 stars). 2 submissions from 2 submitters: Uncertain significance (1); Likely benign (1). Last evaluated 2025-06-27.

Allele frequency attached by ClinVar (database versions not stated): gnomAD exomes below 0.00001 and 0.00001; TOPMed below 0.00001; ExAC 0.00001; gnomAD 0.00001.
gnomAD v4.1: 20 of 1,613,784 alleles (0.0012%); highest among the groups gnomAD compares: Non-Finnish European, 0.0017%; no homozygotes.

Submissions (2):

Labcorp Genetics (formerly Invitae), Labcorp
Classification: Likely benign. Last evaluated: 2025-06-27. Review status: criteria provided, single submitter. Criteria: Invitae Variant Classification Sherloc (09022015). Collection method: clinical testing. Allele origin: germline.

GeneDx
Classification: Uncertain significance. Last evaluated: 2022-10-11. Review status: criteria provided, single submitter. Criteria: GeneDx Variant Classification Process June 2021. Collection method: clinical testing. Allele origin: germline. Affected: yes.
Comment: Not observed at significant frequency in large population cohorts (gnomAD); In silico analysis supports that this missense variant does not alter protein structure/function; Has not been previously published as pathogenic or benign to our knowledge; Not located in the triple helical region, where the majority of pathogenic missense variants occur (HGMD; Acke et al., 2014); This variant is associated with the following publications: (PMID: 25240749)